The following is an entry in ClinVar:

ClinVar aggregate classification (germline): Likely benign. Review status: criteria provided, multiple submitters, no conflicts (2 of 4 stars). 2 submissions from 2 submitters: Likely benign (2). Last evaluated 2025-07-27.

Conditions:
COG5-congenital disorder of glycosylation. Also called: COG5-CDG; CDG IIi; CONGENITAL DISORDER OF GLYCOSYLATION, TYPE IIi. Identifiers: Orphanet 263487, MedGen C3150876, MONDO:0013325, OMIM 613612.

Allele frequency attached by ClinVar (database versions not stated): gnomAD 0.00001; TOPMed 0.00001; gnomAD exomes 0.00003; ExAC 0.00004.

Submissions (2):

Labcorp Genetics (formerly Invitae), Labcorp
Classification: Likely benign for COG5-congenital disorder of glycosylation. Last evaluated: 2025-07-27. Review status: criteria provided, single submitter. Criteria: Invitae Variant Classification Sherloc (09022015). Collection method: clinical testing. Allele origin: germline.

GeneDx
Classification: Likely benign. Last evaluated: 2018-01-04. Review status: criteria provided, single submitter. Criteria: GeneDx Variant Classification (06012015). Collection method: clinical testing. Allele origin: germline. Affected: yes.
Comment: This variant is considered likely benign or benign based on one or more of the following criteria: it is a conservative change, it occurs at a poorly conserved position in the protein, it is predicted to be benign by multiple in silico algorithms, and/or has population frequency not consistent with disease.

NM_006348.5(COG5):c.211T>C (p.Leu71=)

Gene: COG5 (component of oligomeric golgi complex 5; minus strand). Cytogenetic location: 7q22.3.
Variant type: single nucleotide variant.
Coding change: c.211T>C on transcript NM_006348.5 (MANE Select); coding-DNA position 211, T replaced by C.
Protein change: p.Leu71=; no amino-acid change (leucine 71 retained).
Molecular consequence: synonymous variant.
Genome position (GRCh38, 1-based): chr7:107,557,999, A>G on the plus strand (T>C on the coding strand, the complement: COG5 is on the minus strand). VCF-style: chr7-107557999-A-G. GRCh37 (hg19) VCF-style: chr7-107198444-A-G.
Other names: c.211T>C, p.Leu71= (NM_001161520.2, NM_001379511.1, NM_001379512.1 and 5 more transcripts).
Identifiers: ClinVar variation 514266 (VCV000514266.8), dbSNP rs202088548, ClinGen allele CA4431508.